The following is an entry in ClinVar:

NM_001010909.5(MUC21):c.513C>T (p.Ser171=)

Gene: MUC21 (mucin 21, cell surface associated; plus strand). Cytogenetic location: 6p21.33.
Variant type: single nucleotide variant.
Coding change: c.513C>T on transcript NM_001010909.5 (MANE Select); coding-DNA position 513, C replaced by T.
Protein change: p.Ser171=; no amino-acid change (serine 171 retained).
Molecular consequence: synonymous variant. On other transcripts: non-coding transcript variant (1).
Genome position (GRCh38, 1-based): chr6:30,986,688, C>T. VCF-style: chr6-30986688-C-T. GRCh37 (hg19) VCF-style: chr6-30954465-C-T.
Other names: c.603C>T, p.Ser201= (NM_001322370.2, NM_001322371.2).
Identifiers: ClinVar variation 2656352 (VCV002656352.24), dbSNP rs554750732, ClinGen allele CA136799588.
Genomic context (GRCh38, chr6:30,986,688, plus strand): 5'-CAACTCTGACTCCAGCACAACCTCCAGTGAGGCCAGCACAGCCACCAACTCTGAGTCCAG[C>T]ACAACCTCCAGTGGGGCCAGCACAGCCACCAACTCTGAGTCCAGCACAGTGTCCAGTAGG-3'
Protein context (NP_001010909.2, residues 161-181): EASTATNSES[Ser171=]TTSSGASTAT

ClinVar aggregate classification (germline): Likely benign (1 of 4 stars; one submission).

Allele frequency attached by ClinVar (database versions not stated): 1000 Genomes Project 0.00719.

Submission:

CeGaT Center for Human Genetics Tuebingen
Classification: Likely benign. Last evaluated: 2023-08-01. Review status: criteria provided, single submitter. Criteria: CeGaT Center For Human Genetics Tuebingen Variant Classification Criteria Version 2. Collection method: clinical testing. Allele origin: germline. Affected: yes. Observed: 1 variant allele.
Comment: MUC21: BP4, BP7